The following is an entry in ClinVar:

ClinVar aggregate classification (germline): Uncertain significance (1 of 4 stars; one submission).

Submission:

GeneDx
Classification: Uncertain significance. Last evaluated: 2023-06-05. Review status: criteria provided, single submitter. Criteria: GeneDx Variant Classification Process June 2021. Collection method: clinical testing. Allele origin: germline. Affected: yes.
Comment: Not observed at significant frequency in large population cohorts (gnomAD); In silico analysis supports that this missense variant does not alter protein structure/function; Has not been previously published as pathogenic or benign to our knowledge

NM_001271.4(CHD2):c.3122A>G (p.Lys1041Arg)

Gene: CHD2 (chromodomain helicase DNA binding protein 2; plus strand). Cytogenetic location: 15q26.1.
Variant type: single nucleotide variant.
Coding change: c.3122A>G on transcript NM_001271.4 (MANE Select); coding-DNA position 3122, A replaced by G.
Protein change: p.Lys1041Arg; replaces lysine 1041 with arginine.
Molecular consequence: missense variant.
Genome position (GRCh38, 1-based): chr15:92,984,385, A>G. VCF-style: chr15-92984385-A-G. GRCh37 (hg19) VCF-style: chr15-93527615-A-G.
Other names: short protein forms K1041R.
Identifiers: ClinVar variation 3359551 (VCV003359551.1).
Genomic context (GRCh38, chr15:92,984,385, plus strand): 5'-TTAAGGTTGCCAACTTTGCAACAATGGAAGATGAAGAAGAGCTAGAAGAGCGTCCTCACA[A>G]GGACTGGGATGAGATCATTCCAGAGGAACAAAGGAAAAAAGTAGAGGAGGAAGAGCGGCA-3'
Protein context (NP_001262.3, residues 1031-1051): DEEELEERPH[Lys1041Arg]DWDEIIPEEQ